The following is an entry in ClinVar:

ClinVar aggregate classification (germline): Pathogenic. Review status: criteria provided, multiple submitters, no conflicts (2 of 4 stars). 3 submissions from 3 submitters: Pathogenic (3). Last evaluated 2026-05-05.

Conditions:
Kufor-Rakeb syndrome (KRS). Also called: PARKINSON DISEASE 9, AUTOSOMAL RECESSIVE, JUVENILE-ONSET. Identifiers: Orphanet 306674, Orphanet 314632, MedGen C1847640, MONDO:0011706, OMIM 606693.
Autosomal recessive spastic paraplegia type 78. Identifiers: Orphanet 513436, MedGen C5567893, MONDO:0014975, OMIM 617225.

Allele frequency attached by ClinVar (database versions not stated): TOPMed 0.00004; gnomAD 0.00001; gnomAD exomes 0.00001.
gnomAD v4.1: 9 of 1,607,028 alleles (0.00056%); highest among the groups gnomAD compares: South Asian, 0.0011%; no homozygotes.

Submissions (3):

Women's Health and Genetics/Laboratory Corporation of America, LabCorp
Classification: Pathogenic for Kufor-Rakeb syndrome. Last evaluated: 2026-05-05. Review status: criteria provided, single submitter. Criteria: LabCorp Variant Classification Summary - May 2015. Collection method: clinical testing. Allele origin: germline.
Comment: Variant summary: ATP13A2 c.2455C>T (p.Arg819X) results in a premature termination codon, predicted to cause a truncation of the encoded protein or absence of the protein due to nonsense mediated decay, which are commonly known mechanisms for disease. The frequency data for this variant in gnomAD is considered unreliable, as metrics indicate poor data quality at this position. c.2455C>T has been observed in multiple individuals affected with Kufor-Rakeb syndrome (e.g., Amini_2024). These data indicate that the variant is very likely to be associated with disease. The following publication has been ascertained in the context of this evaluation (PMID: 37947042). ClinVar contains an entry for this variant (Variation ID: 502116). Based on the evidence outlined above, the variant was classified as pathogenic.

Labcorp Genetics (formerly Invitae), Labcorp
Classification: Pathogenic for Kufor-Rakeb syndrome; Autosomal recessive spastic paraplegia type 78. Last evaluated: 2025-03-07. Review status: criteria provided, single submitter. Criteria: Invitae Variant Classification Sherloc (09022015). Collection method: clinical testing. Allele origin: germline.
Comment: This sequence change creates a premature translational stop signal (p.Arg819*) in the ATP13A2 gene. It is expected to result in an absent or disrupted protein product. Loss-of-function variants in ATP13A2 are known to be pathogenic (PMID: 16964263, 21696388). This variant is not present in population databases (gnomAD no frequency). This premature translational stop signal has been observed in individual(s) with clinical features of Kufor-Rakeb syndrome (PMID: 30868101). ClinVar contains an entry for this variant (Variation ID: 502116). For these reasons, this variant has been classified as Pathogenic.

Eurofins Ntd Llc (ga)
Classification: Pathogenic. Last evaluated: 2017-05-26. Review status: criteria provided, single submitter. Criteria: EGL Classification Definitions 2015. Collection method: clinical testing. Allele origin: germline. Observed: 1 variant allele, 1 heterozygote.

Literature cited by the submitters: PubMed 37947042 (cited by Women's Health and Genetics/Laboratory Corporation of America, LabCorp); PubMed 16964263 (cited by Labcorp Genetics (formerly Invitae), Labcorp); PubMed 21696388 (cited by Labcorp Genetics (formerly Invitae), Labcorp); PubMed 30868101 (cited by Labcorp Genetics (formerly Invitae), Labcorp).

NM_022089.4(ATP13A2):c.2455C>T (p.Arg819Ter)

Gene: ATP13A2 (ATPase cation transporting 13A2; minus strand). Cytogenetic location: 1p36.13.
Variant type: single nucleotide variant.
Coding change: c.2455C>T on transcript NM_022089.4 (MANE Select); coding-DNA position 2455, C replaced by T.
Protein change: p.Arg819Ter; replaces arginine 819 with a stop codon.
Molecular consequence: nonsense. On other transcripts: intron variant (1).
Genome position (GRCh38, 1-based): chr1:16,989,961, G>A on the plus strand (C>T on the coding strand, the complement: ATP13A2 is on the minus strand). VCF-style: chr1-16989961-G-A. GRCh37 (hg19) VCF-style: chr1-17316456-G-A.
Other names: c.2440C>T, p.Arg814Ter (NM_001141973.3); c.2397+166C>T (NM_001141974.3); short protein forms R819*, R814*.
Identifiers: ClinVar variation 502116 (VCV000502116.10), dbSNP rs866035312, ClinGen allele CA18629099.